The following is an entry in ClinVar:

NM_022436.3(ABCG5):c.1771A>G (p.Asn591Asp)

Genes: ABCG5 (ATP binding cassette subfamily G member 5; minus strand), DYNC2LI1 (dynein cytoplasmic 2 light intermediate chain 1; plus strand). Cytogenetic location: 2p21.
Variant type: single nucleotide variant.
Coding change: c.1771A>G on transcript NM_022436.3 (MANE Select); coding-DNA position 1771, A replaced by G.
Protein change: p.Asn591Asp; replaces asparagine 591 with aspartic acid.
Molecular consequence: missense variant. On other transcripts: intron variant (2).
Genome position (GRCh38, 1-based): chr2:43,813,301, T>C on the plus strand (A>G on the coding strand, the complement: ABCG5 is on the minus strand). VCF-style: chr2-43813301-T-C. GRCh37 (hg19) VCF-style: chr2-44040440-T-C.
Other names: c.*15+2777T>C (NM_001348913.2, NM_001348912.2); short protein forms N591D.
Identifiers: ClinVar variation 3227760 (VCV003227760.1), dbSNP rs201902491, ClinGen allele CA1636154.

ClinVar aggregate classification (germline): Uncertain significance (1 of 4 stars; one submission).

Conditions:
Cardiovascular phenotype. Identifiers: MedGen CN230736.

Allele frequency attached by ClinVar (database versions not stated): 1000 Genomes Project 30x 0.00016; gnomAD 0.00001; TOPMed 0.00001; 1000 Genomes Project 0.00020; ExAC 0.00002.
gnomAD v4.1: 1 of 1,611,584 alleles (0.000062%); highest among the groups gnomAD compares: Non-Finnish European, 0.000085%; no homozygotes.

Submission:

Ambry Genetics
Classification: Uncertain significance for Cardiovascular phenotype. Last evaluated: 2024-01-14. Review status: criteria provided, single submitter. Criteria: Ambry Variant Classification Scheme 2023. Collection method: clinical testing. Allele origin: germline.
Comment: The p.N591D variant (also known as c.1771A>G), located in coding exon 13 of the ABCG5 gene, results from an A to G substitution at nucleotide position 1771. The asparagine at codon 591 is replaced by aspartic acid, an amino acid with highly similar properties. This amino acid position is conserved. In addition, this alteration is predicted to be tolerated by in silico analysis. Since supporting evidence is limited at this time, the clinical significance of this alteration remains unclear.